The following is an entry in ClinVar:

NM_015374.3(SUN2):c.1648G>A (p.Ala550Thr)

Genes: GTPBP1 (GTP binding protein 1; plus strand), SUN2 (Sad1 and UNC84 domain containing 2; minus strand). Cytogenetic location: 22q13.1.
Variant type: single nucleotide variant.
Coding change: c.1648G>A on transcript NM_015374.3 (MANE Select); coding-DNA position 1648, G replaced by A.
Protein change: p.Ala550Thr; replaces alanine 550 with threonine.
Molecular consequence: missense variant.
Genome position (GRCh38, 1-based): chr22:38,739,357, C>T on the plus strand (G>A on the coding strand, the complement: SUN2 is on the minus strand). VCF-style: chr22-38739357-C-T. GRCh37 (hg19) VCF-style: chr22-39135362-C-T.
Other names: c.1711G>A, p.Ala571Thr (NM_001199579.2, NM_001394428.1); c.1648G>A, p.Ala550Thr (NM_001199580.2, NM_001394431.1, NM_001394432.1 and 3 more transcripts); c.1741G>A, p.Ala581Thr (NM_001394427.1); c.1693G>A, p.Ala565Thr (NM_001394429.1, NM_001394430.1); c.1645G>A, p.Ala549Thr (NM_001394436.1, NM_001394437.1); c.1558G>A, p.Ala520Thr (NM_001394438.1); c.1510G>A, p.Ala504Thr (NM_001394439.1, NM_001394440.1, NM_001394441.1); c.1249G>A, p.Ala417Thr (NM_001394442.1); and 2 more; short protein forms A504T, A520T, A581T, A358T, A565T, A386T, A417T, A549T.
Identifiers: ClinVar variation 2145219 (VCV002145219.4), dbSNP rs2092834834, ClinGen allele CA411583849.
Genomic context (GRCh38, chr22:38,739,357, plus strand): 5'-TGCGGGGTCCAGGACAAGGCAGAGCGAGGAAAGCAGAGCACGTACCTCCTGACTCCAGGG[C>T]GTAGTCTGCCAGCCCGATGCGGTCCTCACTGTAGCGCTGCAGGGCCTGCTTCACGATGTG-3'
Protein context (NP_056189.1, residues 540-560): SEDRIGLADY[Ala550Thr]LESGGASVIS

ClinVar aggregate classification (germline): Uncertain significance (1 of 4 stars; one submission).

Conditions:
Emery-Dreifuss muscular dystrophy (EDMD). Also called: Scapuloperoneal syndrome, X-linked (formerly); Humeroperoneal neuromuscular disease, (formerly). Identifiers: Orphanet 261, MedGen C0410189, MONDO:0016830.

Allele frequency attached by ClinVar (database versions not stated): TOPMed below 0.00001; gnomAD exomes 0.00001.
gnomAD v4.1: 7 of 1,613,088 alleles (0.00043%); highest among the groups gnomAD compares: Non-Finnish European, 0.00059%; no homozygotes.

Submission:

Labcorp Genetics (formerly Invitae), Labcorp
Classification: Uncertain significance for Emery-Dreifuss muscular dystrophy. Last evaluated: 2022-07-12. Review status: criteria provided, single submitter. Criteria: Invitae Variant Classification Sherloc (09022015). Collection method: clinical testing. Allele origin: germline.
Comment: In summary, the available evidence is currently insufficient to determine the role of this variant in disease. Therefore, it has been classified as a Variant of Uncertain Significance. Algorithms developed to predict the effect of missense changes on protein structure and function are either unavailable or do not agree on the potential impact of this missense change (SIFT: "Deleterious"; PolyPhen-2: "Benign"; Align-GVGD: "Class C55"). This variant has not been reported in the literature in individuals affected with SUN2-related conditions. This variant is not present in population databases (gnomAD no frequency). This sequence change replaces alanine, which is neutral and non-polar, with threonine, which is neutral and polar, at codon 550 of the SUN2 protein (p.Ala550Thr).